The following is an entry in ClinVar:

ClinVar aggregate classification (germline): Benign. Review status: criteria provided, multiple submitters, no conflicts (2 of 4 stars). 5 submissions from 5 submitters: Benign (2). 3 of the submissions do not count toward it. Last evaluated 2026-01-18.

Conditions:
Atrioventricular septal defect, susceptibility to, 2. Identifiers: MedGen C1853508, MONDO:0011650, OMIM 606217.
CRELD1-related disorder. Also called: CRELD1-related condition.

Allele frequency attached by ClinVar (database versions not stated): ESP Exome Variant Server 0.00015; gnomAD 0.00287; TOPMed 0.00338; 1000 Genomes Project 30x 0.01015; 1000 Genomes Project 0.01218.
gnomAD v4.1: 2,537 of 1,613,702 alleles (0.16%); highest among the groups gnomAD compares: East Asian, 4.6%; 44 homozygotes.

Submissions (5):

Labcorp Genetics (formerly Invitae), Labcorp
Classification: Benign for Atrioventricular septal defect, susceptibility to, 2. Last evaluated: 2026-01-18. Review status: criteria provided, single submitter. Criteria: Invitae Variant Classification Sherloc (09022015). Collection method: clinical testing. Allele origin: germline.

Breakthrough Genomics
Classification: Benign. Review status: criteria provided, single submitter. Criteria: ACMG Guidelines, 2015. Collection method: not provided. Allele origin: germline. Inheritance: Autosomal dominant inheritance. Affected: yes.

PreventionGenetics, part of Exact Sciences
Classification: Benign for CRELD1-related condition. Last evaluated: 2024-02-22. Review status: no assertion criteria provided. Collection method: clinical testing. Allele origin: germline. Not counted in ClinVar's aggregate classification.
Comment: This variant is classified as benign based on ACMG/AMP sequence variant interpretation guidelines (Richards et al. 2015 PMID: 25741868, with internal and published modifications).

Genome Diagnostics Laboratory, University Medical Center Utrecht
Classification: Benign. Review status: no assertion criteria provided. Collection method: clinical testing. Allele origin: germline. Affected: yes. Study: VKGL Data-share Consensus. Not counted in ClinVar's aggregate classification.

Joint Genome Diagnostic Labs from Nijmegen and Maastricht, Radboudumc and MUMC+
Classification: Benign. Review status: no assertion criteria provided. Collection method: clinical testing. Allele origin: germline. Affected: yes. Study: VKGL Data-share Consensus. Not counted in ClinVar's aggregate classification.

NM_001077415.3(CRELD1):c.383C>G (p.Pro128Arg)

Gene: CRELD1 (CRELD disulfide isomerase 1; plus strand). Cytogenetic location: 3p25.3.
Variant type: single nucleotide variant.
Coding change: c.383C>G on transcript NM_001077415.3 (MANE Select); coding-DNA position 383, C replaced by G.
Protein change: p.Pro128Arg; replaces proline 128 with arginine.
Molecular consequence: missense variant. On other transcripts: non-coding transcript variant (2).
Genome position (GRCh38, 1-based): chr3:9,938,029, C>G. VCF-style: chr3-9938029-C-G. GRCh37 (hg19) VCF-style: chr3-9979713-C-G.
Other names: c.383C>G, p.Pro128Arg (NM_001031717.4, NM_001374316.1, NM_001374317.1 and 4 more transcripts); c.383C>G (NM_015513.4); short protein forms P128R.
Identifiers: ClinVar variation 238217 (VCV000238217.17), dbSNP rs2302787, ClinGen allele CA2247672.
Genomic context (GRCh38, chr3:9,938,029, plus strand): 5'-TCTCAGCACCTCCTCCCCACCTCCCTCCACCCTGCCCCTGCCTCAGGCAGCAGGAGGCCC[C>G]GGACCTCTTCCAGTGGCTGTGCTCAGATTCCCTGAAGCTCTGCTGCCCCGCAGGCACCTT-3'
Protein context (NP_001070883.2, residues 118-138): SWWFHKQQEA[Pro128Arg]DLFQWLCSDS